The following is an entry in ClinVar:

ClinVar aggregate classification (germline): Uncertain significance (1 of 4 stars; one submission).

Submission:

Labcorp Genetics (formerly Invitae), Labcorp
Classification: Uncertain significance. Last evaluated: 2022-09-07. Review status: criteria provided, single submitter. Criteria: Invitae Variant Classification Sherloc (09022015). Collection method: clinical testing. Allele origin: germline.
Comment: In summary, the available evidence is currently insufficient to determine the role of this variant in disease. Therefore, it has been classified as a Variant of Uncertain Significance. Advanced modeling of protein sequence and biophysical properties (such as structural, functional, and spatial information, amino acid conservation, physicochemical variation, residue mobility, and thermodynamic stability) performed at Invitae indicates that this missense variant is not expected to disrupt CSF1R protein function. This variant has not been reported in the literature in individuals affected with CSF1R-related conditions. This variant is not present in population databases (gnomAD no frequency). This sequence change replaces threonine, which is neutral and polar, with alanine, which is neutral and non-polar, at codon 898 of the CSF1R protein (p.Thr898Ala).

NM_001288705.3(CSF1R):c.2692A>G (p.Thr898Ala)

Gene: CSF1R (colony stimulating factor 1 receptor; minus strand). Cytogenetic location: 5q32.
Variant type: single nucleotide variant.
Coding change: c.2692A>G on transcript NM_001288705.3 (MANE Select); coding-DNA position 2692, A replaced by G.
Protein change: p.Thr898Ala; replaces threonine 898 with alanine.
Molecular consequence: missense variant. On other transcripts: non-coding transcript variant (2).
Genome position (GRCh38, 1-based): chr5:150,054,393, T>C on the plus strand (A>G on the coding strand, the complement: CSF1R is on the minus strand). VCF-style: chr5-150054393-T-C. GRCh37 (hg19) VCF-style: chr5-149433956-T-C.
Other names: c.2692A>G, p.Thr898Ala (NM_001349736.2, NM_001375320.1, NM_005211.4); c.2248A>G, p.Thr750Ala (NM_001375321.1); short protein forms T750A, T898A.
Identifiers: ClinVar variation 1962253 (VCV001962253.5), dbSNP rs2480937489, ClinGen allele CA361757251.
Genomic context (GRCh38, chr5:150,054,393, plus strand): 5'-TGTCCTCTTGGGCCTGCTCCTGAAGGAAGGAGCAGATCTGCTGGAAGGTGGGTCTGTGGG[T>C]GGGCTCCAAGGCCCAGCAGGCCTGCATGATGCTGTATCTGGGAGATAGGACAGAGGATGC-3'
Protein context (NP_001275634.1, residues 888-908): IMQACWALEP[Thr898Ala]HRPTFQQICS